The following is an entry in ClinVar:

ClinVar aggregate classification (germline): Uncertain significance (1 of 4 stars; one submission).

Conditions:
Inborn genetic diseases. Identifiers: MedGen C0950123, MeSH D030342.

Submission:

Ambry Genetics
Classification: Uncertain significance for Inborn genetic diseases. Last evaluated: 2020-03-11. Review status: criteria provided, single submitter. Criteria: Ambry Variant Classification Scheme 2023. Collection method: clinical testing. Allele origin: germline.
Comment: The p.L191V variant (also known as c.571C>G), located in coding exon 5 of the AIFM1 gene, results from a C to G substitution at nucleotide position 571. The leucine at codon 191 is replaced by valine, an amino acid with highly similar properties. This amino acid position is highly conserved in available vertebrate species. In addition, this alteration is predicted to be tolerated by in silico analysis. Since supporting evidence is limited at this time, the clinical significance of this alteration remains unclear.

NM_004208.4(AIFM1):c.571C>G (p.Leu191Val)

Genes: AIFM1 (apoptosis inducing factor mitochondria associated 1; minus strand), RAB33A (RAB33A, member RAS oncogene family; plus strand). Cytogenetic location: Xq26.1.
Variant type: single nucleotide variant.
Coding change: c.571C>G on transcript NM_004208.4 (MANE Select); coding-DNA position 571, C replaced by G.
Protein change: p.Leu191Val; replaces leucine 191 with valine.
Molecular consequence: missense variant. On other transcripts: non-coding transcript variant (1).
Genome position (GRCh38, 1-based): chrX:130,147,527, G>C on the plus strand (C>G on the coding strand, the complement: AIFM1 is on the minus strand). VCF-style: chrX-130147527-G-C. GRCh37 (hg19) VCF-style: chrX-129281502-G-C.
Other names: c.571C>G, p.Leu191Val (NM_001130847.4); c.559C>G, p.Leu187Val (NM_145812.3); short protein forms L187V, L191V.
Identifiers: ClinVar variation 1749272 (VCV001749272.2), dbSNP rs2523145737, ClinGen allele CA414587999.